The following is an entry in ClinVar:

ClinVar aggregate classification (germline): Likely pathogenic (1 of 4 stars; one submission).

Conditions:
Dystonia 9 (DYT9). Also called: CHOREOATHETOSIS, KINESIGENIC, WITH EPISODIC ATAXIA AND SPASTICITY. Identifiers: Orphanet 53583, MedGen C1832855, MONDO:0010983, OMIM 601042.

Submission:

Plataforma de Genómica Funcional - SJD, Institut De Recerca Sant Joan De Déu
Classification: Likely pathogenic for Dystonia 9. Last evaluated: 2025-06-19. Review status: criteria provided, single submitter. Criteria: ACMG Guidelines, 2015. Collection method: clinical testing. Allele origin: maternal. Inheritance: X-linked recessive inheritance. Affected: yes.
Comment: The c.169T>C variant (NM_004208,4) in AIFM1 is a missense variant predicted to cause an amino acid change of Ser by Pro at position 57 in the protein sequence (p.(Ser57Pro)). This variant is absent from population databases (gnomAD v2.1; PM2). This variant has been identified in an individual with choreodystonia (PMID: 37787095, Internal lab contributor). The computational predictor REVEL unanimously support a benign effect on the gene (REVEL score of 0.1, BP4). Other variant in the same codon has been reported with conflicting classifications of pathogenicity (ClinVar Variation ID: 445310). Functional studies performed in patient's muscle and fibroblasts conducted at the Neurogenetics and Molecular Medicine Laboratory showed aberrant protein function and mitochondrial network defects (PS3; PMID: 37787095). In summary, this variant meets the criteria to be classified as Likely Pathogenic based on the ACMG/AMP criteria applied.

Literature cited by the submitters: PubMed 37787095.

NM_004208.4(AIFM1):c.169T>C (p.Ser57Pro)

Genes: AIFM1 (apoptosis inducing factor mitochondria associated 1; minus strand), RAB33A (RAB33A, member RAS oncogene family; plus strand). Cytogenetic location: Xq26.1.
Variant type: single nucleotide variant.
Coding change: c.169T>C on transcript NM_004208.4 (MANE Select); coding-DNA position 169, T replaced by C.
Protein change: p.Ser57Pro; replaces serine 57 with proline.
Molecular consequence: missense variant. On other transcripts: intron variant (1).
Genome position (GRCh38, 1-based): chrX:130,156,541, A>G on the plus strand (T>C on the coding strand, the complement: AIFM1 is on the minus strand). VCF-style: chrX-130156541-A-G. GRCh37 (hg19) VCF-style: chrX-129290515-A-G.
Other names: c.169T>C, p.Ser57Pro (NM_001130847.4); c.107-1255T>C (NM_145812.3); short protein forms S57P.
Identifiers: ClinVar variation 3906995 (VCV003906995.1).